The following is an entry in ClinVar:

ClinVar aggregate classification (germline): Conflicting classifications of pathogenicity. Review status: criteria provided, conflicting classifications (1 of 4 stars). 2 submissions from 2 submitters: Uncertain significance (1); Likely benign (1). Last evaluated 2026-05-31.

Conditions:
Multiple mitochondrial dysfunctions syndrome 6. Identifiers: Orphanet 569290, MedGen C4693741, MONDO:0054785, OMIM 617954.
Inborn genetic diseases. Identifiers: MedGen C0950123, MeSH D030342.

Allele frequency attached by ClinVar (database versions not stated): TOPMed 0.00003; gnomAD 0.00002; ESP Exome Variant Server 0.00008; gnomAD exomes 0.00007.
gnomAD v4.1: 99 of 1,613,948 alleles (0.0061%); highest among the groups gnomAD compares: Non-Finnish European, 0.0083%; no homozygotes.

Submissions (2):

Ambry Genetics
Classification: Likely benign for Inborn genetic diseases. Last evaluated: 2026-05-31. Review status: criteria provided, single submitter. Criteria: Ambry Variant Classification Scheme 2023. Collection method: clinical testing. Allele origin: germline.

Victorian Clinical Genetics Services, Murdoch Childrens Research Institute
Classification: Uncertain significance for Multiple mitochondrial dysfunctions syndrome 6. Last evaluated: 2019-08-28. Review status: criteria provided, single submitter. Criteria: ACMG Guidelines, 2015. Collection method: clinical testing. Allele origin: germline. Inheritance: Autosomal recessive inheritance.
Comment: A heterozygous missense variant was identified, NM_004279.2(PMPCB):c.122G>A in exon 2 of 13 of the PMPCB gene. This substitution is predicted to create a minor amino acid change from arginine to lysine at position 41 of the protein, NP_004270.2(PMPCB):p.(Arg41Lys). The arginine at this position has low conservation (100 vertebrates, UCSC). It is located within the mitochondrial targeting sequence. In silico software predicts this variant to be benign (Polyphen, SIFT, CADD, Mutation Taster). The variant is present in the gnomAD population database at a frequency of 0.001% (4 heterozygotes, 0 homozygotes). The variant has not been previously reported in clinical cases. Based on information available at the time of curation, this variant has been classified as a VARIANT of UNCERTAIN SIGNIFICANCE (VUS).

NM_004279.3(PMPCB):c.122G>A (p.Arg41Lys)

Gene: PMPCB (peptidase, mitochondrial processing subunit beta; plus strand). Cytogenetic location: 7q22.1.
Variant type: single nucleotide variant.
Coding change: c.122G>A on transcript NM_004279.3 (MANE Select); coding-DNA position 122, G replaced by A.
Protein change: p.Arg41Lys; replaces arginine 41 with lysine.
Molecular consequence: missense variant.
Genome position (GRCh38, 1-based): chr7:103,298,590, G>A. VCF-style: chr7-103298590-G-A. GRCh37 (hg19) VCF-style: chr7-102939037-G-A.
Other names: short protein forms R41K.
Identifiers: ClinVar variation 1806211 (VCV001806211.5), dbSNP rs367832736, ClinGen allele CA163863231.